The following is an entry in ClinVar:

ClinVar aggregate classification (germline): Uncertain significance. Review status: criteria provided, multiple submitters, no conflicts (2 of 4 stars). 2 submissions from 2 submitters: Uncertain significance (2). Last evaluated 2024-09-05.

Allele frequency attached by ClinVar (database versions not stated): TOPMed below 0.00001; gnomAD 0.00002; ExAC 0.00012.
gnomAD v4.1: 116 of 1,592,188 alleles (0.0073%); highest among the groups gnomAD compares: Non-Finnish European, 0.0097%; no homozygotes.

Submissions (2):

Blueprint Genetics
Classification: Uncertain significance. Last evaluated: 2024-09-05. Review status: criteria provided, single submitter. Criteria: ACMG Guidelines, 2015. Collection method: clinical testing. Allele origin: germline.

Labcorp Genetics (formerly Invitae), Labcorp
Classification: Uncertain significance. Last evaluated: 2021-09-01. Review status: criteria provided, single submitter. Criteria: Invitae Variant Classification Sherloc (09022015). Collection method: clinical testing. Allele origin: germline.
Comment: This sequence change replaces proline with leucine at codon 40 of the CFAP410 protein (p.Pro40Leu). The proline residue is moderately conserved and there is a moderate physicochemical difference between proline and leucine. This variant is present in population databases (rs750561784, ExAC 0.02%). This variant has not been reported in the literature in individuals affected with CFAP410-related conditions. Algorithms developed to predict the effect of missense changes on protein structure and function are either unavailable or do not agree on the potential impact of this missense change (SIFT: "Tolerated"; PolyPhen-2: "Probably Damaging"; Align-GVGD: "Class C0"). In summary, the available evidence is currently insufficient to determine the role of this variant in disease. Therefore, it has been classified as a Variant of Uncertain Significance.

NM_004928.3(CFAP410):c.119C>T (p.Pro40Leu)

Gene: CFAP410 (cilia and flagella associated protein 410; minus strand). Cytogenetic location: 21q22.3.
Variant type: single nucleotide variant.
Coding change: c.119C>T on transcript NM_004928.3 (MANE Select); coding-DNA position 119, C replaced by T.
Protein change: p.Pro40Leu; replaces proline 40 with leucine.
Molecular consequence: missense variant.
Genome position (GRCh38, 1-based): chr21:44,335,782, G>A on the plus strand (C>T on the coding strand, the complement: CFAP410 is on the minus strand). VCF-style: chr21-44335782-G-A. GRCh37 (hg19) VCF-style: chr21-45755665-G-A.
Other names: c.119C>T, p.Pro40Leu (NM_001271440.2, NM_001271441.2); c.5C>T, p.Pro2Leu (NM_001271442.1); short protein forms P2L, P40L.
Identifiers: ClinVar variation 1018518 (VCV001018518.7), dbSNP rs750561784, ClinGen allele CA10053835.